The following is an entry in ClinVar:

NM_000512.5(GALNS):c.1420C>T (p.Gln474Ter)

Genes: GALNS (galactosamine (N-acetyl)-6-sulfatase; minus strand), LOC126862447 (CDK7 strongly-dependent group 2 enhancer GRCh37_chr16:88884193-88885392; plus strand). Cytogenetic location: 16q24.3.
Variant type: single nucleotide variant.
Coding change: c.1420C>T on transcript NM_000512.5 (MANE Select); coding-DNA position 1420, C replaced by T.
Protein change: p.Gln474Ter; replaces glutamine 474 with a stop codon.
Molecular consequence: nonsense.
Genome position (GRCh38, 1-based): chr16:88,818,069, G>A on the plus strand (C>T on the coding strand, the complement: GALNS is on the minus strand). VCF-style: chr16-88818069-G-A. GRCh37 (hg19) VCF-style: chr16-88884477-G-A.
Other names: c.865C>T, p.Gln289Ter (NM_001323543.2); c.1438C>T, p.Gln480Ter (NM_001323544.2); short protein forms Q289*, Q474*, Q480*.
Identifiers: ClinVar variation 1048237 (VCV001048237.3), dbSNP rs1330564240, ClinGen allele CA397094403.
Genomic context (GRCh38, chr16:88,818,069, plus strand): 5'-TGACCGCCCAGTTGCACACGTTGAGCTGGGGCTGCGCGGGGACCAAGGCCTCCTGGTGCT[G>A]CTGGACGACCGAGGTGATCCTGCTGAGGGCCTCCTGGTACTCGGCGCTGGCAAAGCTGGG-3'

ClinVar aggregate classification (germline): Pathogenic (1 of 4 stars; one submission).

Conditions:
Mucopolysaccharidosis, MPS-IV-A (MPS4A). Also called: Mucopolysaccharidosis type IV A; Mucopolysaccharidosis Type IVA; Morquio syndrome A, mild; MORQUIO SYNDROME A; MPS IVA; mucopolysaccharidosis type 4A. Identifiers: Orphanet 309297, Orphanet 582, MedGen C0086651, MONDO:0009659, OMIM 253000.

Submission:

Laboratory of Diagnosis and Therapy of Lysosomal Disorders, University of Padova
Classification: Pathogenic for Mucopolysaccharidosis, MPS-IV-A. Last evaluated: 2021-02-01. Review status: criteria provided, single submitter. Criteria: ACMG Guidelines, 2015. Collection method: research. Allele origin: germline. Affected: yes.
Comment: Nonsense variant (PVS1_very strong); in vivo functional studies supportive of a damaging effect on the gene product (low to null enzymatic activity in homozygotes; PS3_supporting); absent from gnomAD v2.1.1 (PM2_moderate)

Literature cited by the submitters: PubMed 34387910.